The following is an entry in ClinVar:

NM_002299.4(LCT):c.5175G>C (p.Thr1725=)

Gene: LCT (lactase; minus strand). Cytogenetic location: 2q21.3.
Variant type: single nucleotide variant.
Coding change: c.5175G>C on transcript NM_002299.4 (MANE Select); coding-DNA position 5175, G replaced by C.
Protein change: p.Thr1725=; no amino-acid change (threonine 1725 retained).
Molecular consequence: synonymous variant.
Genome position (GRCh38, 1-based): chr2:135,790,818, C>G on the plus strand (G>C on the coding strand, the complement: LCT is on the minus strand). VCF-style: chr2-135790818-C-G. GRCh37 (hg19) VCF-style: chr2-136548388-C-G.
Identifiers: ClinVar variation 2045585 (VCV002045585.3), dbSNP rs569770794, ClinGen allele CA1887672.

ClinVar aggregate classification (germline): Uncertain significance (1 of 4 stars; one submission).

Allele frequency attached by ClinVar (database versions not stated): 1000 Genomes Project 0.00020; 1000 Genomes Project 30x 0.00031.
gnomAD v4.1: 17 of 1,614,142 alleles (0.0011%); highest among the groups gnomAD compares: African/African-American, 0.021%; no homozygotes.

Submission:

Labcorp Genetics (formerly Invitae), Labcorp
Classification: Uncertain significance. Last evaluated: 2022-08-19. Review status: criteria provided, single submitter. Criteria: Invitae Variant Classification Sherloc (09022015). Collection method: clinical testing. Allele origin: germline.
Comment: This variant has not been reported in the literature in individuals affected with LCT-related conditions. This variant is present in population databases (rs569770794, gnomAD 0.02%). This sequence change affects codon 1725 of the LCT mRNA. It is a 'silent' change, meaning that it does not change the encoded amino acid sequence of the LCT protein. In summary, the available evidence is currently insufficient to determine the role of this variant in disease. Therefore, it has been classified as a Variant of Uncertain Significance. Algorithms developed to predict the effect of sequence changes on RNA splicing suggest that this variant may create or strengthen a splice site.